The following is an entry in ClinVar:

ClinVar aggregate classification (germline): Uncertain significance (1 of 4 stars; one submission).

Conditions:
Short-rib thoracic dysplasia 10 with or without polydactyly (SRTD10). Identifiers: Orphanet 474, MedGen C3810175, MONDO:0014284, OMIM 615630.
Retinitis pigmentosa 71 (RP71). Identifiers: Orphanet 791, MedGen C4225342, MONDO:0014618, OMIM 616394.

Allele frequency attached by ClinVar (database versions not stated): gnomAD exomes below 0.00001; ExAC 0.00001.
gnomAD v4.1: 2 of 1,614,108 alleles (0.00012%); highest among the groups gnomAD compares: Non-Finnish European, 0.00017%; no homozygotes.

Submission:

Labcorp Genetics (formerly Invitae), Labcorp
Classification: Uncertain significance for Retinitis pigmentosa 71; Short-rib thoracic dysplasia 10 with or without polydactyly. Last evaluated: 2023-08-10. Review status: criteria provided, single submitter. Criteria: Invitae Variant Classification Sherloc (09022015). Collection method: clinical testing. Allele origin: germline.
Comment: This variant has not been reported in the literature in individuals affected with IFT172-related conditions. ClinVar contains an entry for this variant (Variation ID: 1505891). Advanced modeling of protein sequence and biophysical properties (such as structural, functional, and spatial information, amino acid conservation, physicochemical variation, residue mobility, and thermodynamic stability) performed at Invitae indicates that this missense variant is expected to disrupt IFT172 protein function. In summary, the available evidence is currently insufficient to determine the role of this variant in disease. Therefore, it has been classified as a Variant of Uncertain Significance. This variant is present in population databases (rs746530471, gnomAD 0.0009%). This sequence change replaces alanine, which is neutral and non-polar, with valine, which is neutral and non-polar, at codon 1207 of the IFT172 protein (p.Ala1207Val).

NM_015662.3(IFT172):c.3620C>T (p.Ala1207Val)

Genes: IFT172 (intraflagellar transport 172; minus strand), LOC126806173 (BRD4-independent group 4 enhancer GRCh37_chr2:27676057-27677256; plus strand). Cytogenetic location: 2p23.3.
Variant type: single nucleotide variant.
Coding change: c.3620C>T on transcript NM_015662.3 (MANE Select); coding-DNA position 3620, C replaced by T.
Protein change: p.Ala1207Val; replaces alanine 1207 with valine.
Molecular consequence: missense variant.
Genome position (GRCh38, 1-based): chr2:27,454,073, G>A on the plus strand (C>T on the coding strand, the complement: IFT172 is on the minus strand). VCF-style: chr2-27454073-G-A. GRCh37 (hg19) VCF-style: chr2-27676940-G-A.
Other names: short protein forms A1207V.
Identifiers: ClinVar variation 1505891 (VCV001505891.4), dbSNP rs746530471, ClinGen allele CA1579918.
Genomic context (GRCh38, chr2:27,454,073, plus strand): 5'-TGGGCCCGGAGCAGCAGCCCTTCTGCTTTCTGAAAGTCCTTCTCCTCCAAGGCCCCCCGG[G>A]CCTGTCCCACAAGCACCTCGGCGACACTGTCAGGGTCGTGAGCCTCAGCCACACGCTGAG-3'
Protein context (NP_056477.1, residues 1197-1217): DSVAEVLVGQ[Ala1207Val]RGALEEKDFQ